The following is an entry in ClinVar:

ClinVar aggregate classification (germline): Uncertain significance. Review status: criteria provided, multiple submitters, no conflicts (2 of 4 stars). 2 submissions from 2 submitters: Uncertain significance (2). Last evaluated 2025-04-01.

gnomAD v4.1: 1 of 1,208,255 alleles (0.000083%); highest among the groups gnomAD compares: South Asian, 0.0018%; no homozygotes.

Submissions (2):

CeGaT Center for Human Genetics Tuebingen
Classification: Uncertain significance. Last evaluated: 2025-04-01. Review status: criteria provided, single submitter. Criteria: CeGaT Center For Human Genetics Tuebingen Variant Classification Criteria Version 2. Collection method: clinical testing. Allele origin: germline. Affected: yes. Observed: 1 variant allele.
Comment: ATRX: PM2

Blueprint Genetics
Classification: Uncertain significance. Last evaluated: 2018-09-25. Review status: criteria provided, single submitter. Criteria: ACMG Guidelines, 2015. Collection method: clinical testing. Allele origin: germline.

NM_000489.6(ATRX):c.197G>A (p.Ser66Asn)

Gene: ATRX (ATRX chromatin remodeler; minus strand). Cytogenetic location: Xq21.1.
Variant type: single nucleotide variant.
Coding change: c.197G>A on transcript NM_000489.6 (MANE Select); coding-DNA position 197, G replaced by A.
Protein change: p.Ser66Asn; replaces serine 66 with asparagine.
Molecular consequence: missense variant.
Genome position (GRCh38, 1-based): chrX:77,697,628, C>T on the plus strand (G>A on the coding strand, the complement: ATRX is on the minus strand). VCF-style: chrX-77697628-C-T. GRCh37 (hg19) VCF-style: chrX-76953116-C-T.
Other names: c.197G>A, p.Ser66Asn (NM_138270.5); short protein forms S66N.
Identifiers: ClinVar variation 3898626 (VCV003898626.8).
Genomic context (GRCh38, chrX:77,697,628, plus strand): 5'-TCAACATCAACCAACCTCTTTGATCGTGACGATCCTGAAGACTTGGATTTTTCTGAAGAG[C>T]TAGTTCCCTAGATGTGAGACATAAATATAAAAGTGAATAAAATTCTCGAAACGGCATCCC-3'
Protein context (NP_000480.3, residues 56-76): MMENSKEEGT[Ser66Asn]SSEKSKSSGS